The following is an entry in ClinVar:

NM_007186.6(CEP250):c.256C>G (p.Gln86Glu)

Gene: CEP250 (centrosomal protein 250; plus strand). Cytogenetic location: 20q11.22.
Variant type: single nucleotide variant.
Coding change: c.256C>G on transcript NM_007186.6 (MANE Select); coding-DNA position 256, C replaced by G.
Protein change: p.Gln86Glu; replaces glutamine 86 with glutamic acid.
Molecular consequence: missense variant. On other transcripts: 5 prime UTR variant (1).
Genome position (GRCh38, 1-based): chr20:35,465,755, C>G. VCF-style: chr20-35465755-C-G. GRCh37 (hg19) VCF-style: chr20-34053580-C-G.
Other names: c.-1644C>G (NM_001318219.1); short protein forms Q86E.
Identifiers: ClinVar variation 2101691 (VCV002101691.4), dbSNP rs866549979, ClinGen allele CA408752606.

ClinVar aggregate classification (germline): Uncertain significance (1 of 4 stars; one submission).

gnomAD v4.1: 1 of 1,604,768 alleles (0.000062%); highest among the groups gnomAD compares: South Asian, 0.0011%; no homozygotes.

Submission:

Labcorp Genetics (formerly Invitae), Labcorp
Classification: Uncertain significance. Last evaluated: 2022-02-22. Review status: criteria provided, single submitter. Criteria: Invitae Variant Classification Sherloc (09022015). Collection method: clinical testing. Allele origin: germline.
Comment: This variant has not been reported in the literature in individuals affected with CEP250-related conditions. This variant is not present in population databases (gnomAD no frequency). This sequence change replaces glutamine, which is neutral and polar, with glutamic acid, which is acidic and polar, at codon 86 of the CEP250 protein (p.Gln86Glu). In summary, the available evidence is currently insufficient to determine the role of this variant in disease. Therefore, it has been classified as a Variant of Uncertain Significance. Algorithms developed to predict the effect of missense changes on protein structure and function are either unavailable or do not agree on the potential impact of this missense change (SIFT: "Not Available"; PolyPhen-2: "Benign"; Align-GVGD: "Not Available").